The following is an entry in ClinVar:

NM_017433.5(MYO3A):c.2685G>T (p.Arg895Ser)

Gene: MYO3A (myosin IIIA; plus strand). Cytogenetic location: 10p12.1.
Variant type: single nucleotide variant.
Coding change: c.2685G>T on transcript NM_017433.5 (MANE Select); coding-DNA position 2685, G replaced by T.
Protein change: p.Arg895Ser; replaces arginine 895 with serine.
Molecular consequence: missense variant.
Genome position (GRCh38, 1-based): chr10:26,153,899, G>T. VCF-style: chr10-26153899-G-T. GRCh37 (hg19) VCF-style: chr10-26442828-G-T.
Other names: short protein forms R895S.
Identifiers: ClinVar variation 1305144 (VCV001305144.2), dbSNP rs1398698112, ClinGen allele CA376335406.

ClinVar aggregate classification (germline): Uncertain significance (1 of 4 stars; one submission).

Allele frequency attached by ClinVar (database versions not stated): TOPMed below 0.00001; gnomAD 0.00001.
gnomAD v4.1: 2 of 1,595,894 alleles (0.00013%); highest among the groups gnomAD compares: Non-Finnish European, 0.00017%; no homozygotes.

Submission:

GeneDx
Classification: Uncertain significance. Last evaluated: 2020-06-15. Review status: criteria provided, single submitter. Criteria: GeneDx Variant Classification Process June 2021. Collection method: clinical testing. Allele origin: germline. Affected: yes.
Comment: Not observed in large population cohorts (Lek et al., 2016); In silico analysis, which includes protein predictors and evolutionary conservation, supports that this variant does not alter protein structure/function; Has not been previously published as pathogenic or benign to our knowledge